The following is an entry in ClinVar:

ClinVar aggregate classification (germline): Uncertain significance (1 of 4 stars; one submission).

Submission:

Labcorp Genetics (formerly Invitae), Labcorp
Classification: Uncertain significance. Last evaluated: 2025-06-12. Review status: criteria provided, single submitter. Criteria: Invitae Variant Classification Sherloc (09022015). Collection method: clinical testing. Allele origin: germline.
Comment: This sequence change replaces aspartic acid, which is acidic and polar, with histidine, which is basic and polar, at codon 1318 of the LRP5 protein (p.Asp1318His). This variant is not present in population databases (gnomAD no frequency). This variant has not been reported in the literature in individuals affected with LRP5-related conditions. ClinVar contains an entry for this variant (Variation ID: 2784914). Invitae Evidence Modeling of protein sequence and biophysical properties (such as structural, functional, and spatial information, amino acid conservation, physicochemical variation, residue mobility, and thermodynamic stability) has been performed for this missense variant. However, the output from this modeling did not meet the statistical confidence thresholds required to predict the impact of this variant on LRP5 protein function. In summary, the available evidence is currently insufficient to determine the role of this variant in disease. Therefore, it has been classified as a Variant of Uncertain Significance.

NM_002335.4(LRP5):c.3952G>C (p.Asp1318His)

Gene: LRP5 (LDL receptor related protein 5; plus strand). Cytogenetic location: 11q13.2.
Variant type: single nucleotide variant.
Coding change: c.3952G>C on transcript NM_002335.4 (MANE Select); coding-DNA position 3952, G replaced by C.
Protein change: p.Asp1318His; replaces aspartic acid 1318 with histidine.
Molecular consequence: missense variant.
Genome position (GRCh38, 1-based): chr11:68,433,790, G>C. VCF-style: chr11-68433790-G-C. GRCh37 (hg19) VCF-style: chr11-68201258-G-C.
Other names: c.2209G>C, p.Asp737His (NM_001291902.2); short protein forms D737H, D1318H.
Identifiers: ClinVar variation 2784914 (VCV002784914.3), dbSNP rs541726127, ClinGen allele CA381613962.